The following is an entry in ClinVar:

ClinVar aggregate classification (germline): Uncertain significance (1 of 4 stars; one submission).

Allele frequency attached by ClinVar (database versions not stated): gnomAD 0.00001; TOPMed 0.00001; ExAC 0.00002; gnomAD exomes 0.00003.
gnomAD v4.1: 39 of 1,613,844 alleles (0.0024%); highest among the groups gnomAD compares: Non-Finnish European, 0.003%; no homozygotes.

Submission:

Labcorp Genetics (formerly Invitae), Labcorp
Classification: Uncertain significance. Last evaluated: 2025-07-21. Review status: criteria provided, single submitter. Criteria: Invitae Variant Classification Sherloc (09022015). Collection method: clinical testing. Allele origin: germline.
Comment: This sequence change falls in intron 42 of the NALCN gene. It does not directly change the encoded amino acid sequence of the NALCN protein. It affects a nucleotide within the consensus splice site. This variant is present in population databases (rs773385017, gnomAD 0.004%). This variant has not been reported in the literature in individuals affected with NALCN-related conditions. ClinVar contains an entry for this variant (Variation ID: 1917494). Variants that disrupt the consensus splice site are a relatively common cause of aberrant splicing (PMID: 17576681, 9536098). Algorithms developed to predict the effect of sequence changes on RNA splicing suggest that this variant is not likely to affect RNA splicing. In summary, the available evidence is currently insufficient to determine the role of this variant in disease. Therefore, it has been classified as a Variant of Uncertain Significance.

Literature cited by the submitters: PubMed 17576681; PubMed 9536098.

NM_052867.4(NALCN):c.4905+4T>C

Gene: NALCN (sodium leak channel, non-selective; minus strand). Cytogenetic location: 13q32.3.
Variant type: single nucleotide variant.
Coding change: c.4905+4T>C on transcript NM_052867.4 (MANE Select); 4 bases into the intron after coding-DNA position 4905, T replaced by C.
Molecular consequence: intron variant.
Genome position (GRCh38, 1-based): chr13:101,059,814, A>G on the plus strand (T>C on the coding strand, the complement: NALCN is on the minus strand). VCF-style: chr13-101059814-A-G. GRCh37 (hg19) VCF-style: chr13-101712166-A-G.
Other names: c.4818+4T>C (NM_001350751.2, NM_001350750.2); c.4905+4T>C (NM_001350749.2); c.4992+4T>C (NM_001350748.2).
Identifiers: ClinVar variation 1917494 (VCV001917494.5), dbSNP rs773385017, ClinGen allele CA7034996.